The following is an entry in ClinVar:

ClinVar aggregate classification (germline): Uncertain significance (1 of 4 stars; one submission).

Conditions:
Charcot-Marie-Tooth disease type 2. Also called: Charcot-Marie-Tooth type 2. Identifiers: Orphanet 64746, MedGen C0270914, MONDO:0018993.

Submission:

Labcorp Genetics (formerly Invitae), Labcorp
Classification: Uncertain significance for Charcot-Marie-Tooth disease type 2. Last evaluated: 2022-05-01. Review status: criteria provided, single submitter. Criteria: Invitae Variant Classification Sherloc (09022015). Collection method: clinical testing. Allele origin: germline.
Comment: In summary, the available evidence is currently insufficient to determine the role of this variant in disease. Therefore, it has been classified as a Variant of Uncertain Significance. Algorithms developed to predict the effect of missense changes on protein structure and function are either unavailable or do not agree on the potential impact of this missense change (SIFT: "Tolerated"; PolyPhen-2: "Possibly Damaging"; Align-GVGD: "Class C0"). This variant has not been reported in the literature in individuals affected with AARS-related conditions. This variant is not present in population databases (gnomAD no frequency). This sequence change replaces phenylalanine, which is neutral and non-polar, with tyrosine, which is neutral and polar, at codon 126 of the AARS protein (p.Phe126Tyr).

NM_001605.3(AARS1):c.377T>A (p.Phe126Tyr)

Gene: AARS1 (alanyl-tRNA synthetase 1; minus strand). Cytogenetic location: 16q22.1.
Variant type: single nucleotide variant.
Coding change: c.377T>A on transcript NM_001605.3 (MANE Select); coding-DNA position 377, T replaced by A.
Protein change: p.Phe126Tyr; replaces phenylalanine 126 with tyrosine.
Molecular consequence: missense variant.
Genome position (GRCh38, 1-based): chr16:70,276,588, A>T on the plus strand (T>A on the coding strand, the complement: AARS1 is on the minus strand). VCF-style: chr16-70276588-A-T. GRCh37 (hg19) VCF-style: chr16-70310491-A-T.
Other names: short protein forms F126Y.
Identifiers: ClinVar variation 2132544 (VCV002132544.4), dbSNP rs2507028681, ClinGen allele CA396569005.
Genomic context (GRCh38, chr16:70,276,588, plus strand): 5'-AAGCCAGCTGCTTCATCCCCGCCAAAGTAAGTAACATAAAGTCTTTCAATGGGAATGCCA[A>T]ACTCTTGGGTGAGGAGTTCCAGAGCCATCTTACATGCCAATTCCTACAAAAAGAACAGAG-3'
Protein context (NP_001596.2, residues 116-136): KMALELLTQE[Phe126Tyr]GIPIERLYVT